The following is an entry in ClinVar:

NC_000005.9:g.(?_60241031)_(60369042_60394818)del

Gene: NDUFAF2 (NADH:ubiquinone oxidoreductase complex assembly factor 2; plus strand). Cytogenetic location: 5q12.1.
Variant type: Deletion.
Identifiers: ClinVar variation 4847484 (VCV004847484.1).

ClinVar aggregate classification (germline): Pathogenic (1 of 4 stars; one submission).

Conditions:
Leigh syndrome (NULS). Also called: Leigh's syndrome; Leigh Disease; Leigh's necrotizing encephalopathy; Leigh's disease; Subacute necrotizing encephalopathy; Necrotizing encephalopathy infantile subacute of Leigh. Identifiers: Orphanet 506, MedGen C2931891, MONDO:0009723, OMIM 256000.

Submission:

Women's Health and Genetics/Laboratory Corporation of America, LabCorp
Classification: Pathogenic for Leigh syndrome. Last evaluated: 2026-03-04. Review status: criteria provided, single submitter. Criteria: LabCorp Variant Classification Summary - May 2015. Collection method: clinical testing. Allele origin: germline.
Comment: Variant summary: The variant involves the deletion of exons 1-2 in the NDUFAF2 gene. A presumed nomenclature of c.(?_-52)_(217+1_218-1)del has been designated for the purposes of this classification. The exact breakpoint at the 5' end of this variant is unknown, therefore this deletion may extend upstream of the annotated region of this gene. Although the exact breakpoints of this deletion are not known, it is predicted to remove the initiation codon and result in an absence of protein or a truncation of the encoded protein due to translation initiation at a downstream site. Loss-of-function variants in this gene are known to be pathogenic. The variant was absent in 21694 control chromosomes. c.(?_-52)_(217+1_218-1)del has been observed in at least one homozygous individual affected with a mitochondrial disorder, presenting with encephalopathy (e.g. Jou_2019). These data indicate that the variant is likely associated with disease. To our knowledge, no experimental evidence demonstrating an impact on protein function has been reported. ClinVar contains an entry for a similar variant (Variation ID: 3246569). Based on the evidence outlined above, the variant was classified as pathogenic.

Literature cited by the submitters: PubMed 30634555.